The following is an entry in ClinVar:

NM_014862.4(ARNT2):c.1222C>G (p.Arg408Gly)

Gene: ARNT2 (aryl hydrocarbon receptor nuclear translocator 2; plus strand). Cytogenetic location: 15q25.1.
Variant type: single nucleotide variant.
Coding change: c.1222C>G on transcript NM_014862.4 (MANE Select); coding-DNA position 1222, C replaced by G.
Protein change: p.Arg408Gly; replaces arginine 408 with glycine.
Molecular consequence: missense variant.
Genome position (GRCh38, 1-based): chr15:80,563,145, C>G. VCF-style: chr15-80563145-C-G. GRCh37 (hg19) VCF-style: chr15-80855486-C-G.
Other names: short protein forms R408G.
Identifiers: ClinVar variation 1033304 (VCV001033304.1), dbSNP rs142574625, ClinGen allele CA393623081.

ClinVar aggregate classification (germline): Uncertain significance (1 of 4 stars; one submission).

Conditions:
Webb-Dattani syndrome (WEDAS). Also called: HYPOTHALAMO-PITUITARY-FRONTOTEMPORAL HYPOPLASIA WITH VISUAL AND RENAL ANOMALIES. Identifiers: MedGen C4014708, MONDO:0014404, OMIM 615926.

gnomAD v4.1: 1 of 1,614,132 alleles (0.000062%); highest among the groups gnomAD compares: Admixed American, 0.0017%; no homozygotes.

Submission:

Baylor Genetics
Classification: Uncertain significance for Webb-Dattani syndrome. Last evaluated: 2018-01-29. Review status: criteria provided, single submitter. Criteria: ACMG Guidelines, 2015. Collection method: clinical testing. Allele origin: unknown. Affected: yes.
Comment: This variant was determined to be of uncertain significance according to ACMG Guidelines, 2015 [PMID:25741868].